The following is an entry in ClinVar:

NM_001077653.2(TBX20):c.541G>C (p.Ala181Pro)

Gene: TBX20 (T-box transcription factor 20; minus strand). Cytogenetic location: 7p14.2.
Variant type: single nucleotide variant.
Coding change: c.541G>C on transcript NM_001077653.2 (MANE Select); coding-DNA position 541, G replaced by C.
Protein change: p.Ala181Pro; replaces alanine 181 with proline.
Molecular consequence: missense variant.
Genome position (GRCh38, 1-based): chr7:35,248,681, C>G on the plus strand (G>C on the coding strand, the complement: TBX20 is on the minus strand). VCF-style: chr7-35248681-C-G. GRCh37 (hg19) VCF-style: chr7-35288293-C-G.
Other names: c.541G>C, p.Ala181Pro (NM_001166220.1); short protein forms A181P.
Identifiers: ClinVar variation 3901564 (VCV003901564.1).

ClinVar aggregate classification (germline): Uncertain significance (1 of 4 stars; one submission).

Submission:

GeneDx
Classification: Uncertain significance. Last evaluated: 2024-12-04. Review status: criteria provided, single submitter. Criteria: GeneDx Variant Classification Process June 2021. Collection method: clinical testing. Allele origin: germline. Affected: yes.
Comment: Not observed at significant frequency in large population cohorts (gnomAD); In silico analysis indicates that this missense variant does not alter protein structure/function; Has not been previously published as pathogenic or benign to our knowledge